The following is an entry in ClinVar:

ClinVar aggregate classification (germline): Uncertain significance (1 of 4 stars; one submission).

Conditions:
Pheochromocytoma. Also called: MAX-Related Hereditary Paraganglioma-Pheochromocytoma Syndrome. Identifiers: Orphanet 29072, MedGen C0031511, MONDO:0008233, OMIM 171300, HP:0002666.
Gastrointestinal stromal tumor. Also called: Gastrointestinal stromal tumor, somatic; Gastrointestinal stroma tumor. Identifiers: Orphanet 44890, MedGen C0238198, MeSH D046152, MONDO:0011719, OMIM 606764, HP:0100723.
Pheochromocytoma/paraganglioma syndrome 4. Also called: SDHB-Related Hereditary Paraganglioma-Pheochromocytoma Syndrome (Paragangliomas 4); SDHB-Related Hereditary Paraganglioma-Pheochromocytoma Syndrome; CAROTID BODY TUMORS AND MULTIPLE EXTRAADRENAL PHEOCHROMOCYTOMAS; PARAGANGLIOMA, FAMILIAL MALIGNANT; PARAGANGLIOMAS, HEREDITARY EXTRAADRENAL; PHEOCHROMOCYTOMA, FAMILIAL EXTRAADRENAL. Identifiers: Orphanet 29072, MedGen C1861848, MONDO:0007273, OMIM 115310.

Submission:

Labcorp Genetics (formerly Invitae), Labcorp
Classification: Uncertain significance for Gastrointestinal stromal tumor; Pheochromocytoma/paraganglioma syndrome 4; Pheochromocytoma. Last evaluated: 2023-07-30. Review status: criteria provided, single submitter. Criteria: Invitae Variant Classification Sherloc (09022015). Collection method: clinical testing. Allele origin: germline.
Comment: In summary, the available evidence is currently insufficient to determine the role of this variant in disease. Therefore, it has been classified as a Variant of Uncertain Significance. Advanced modeling of protein sequence and biophysical properties (such as structural, functional, and spatial information, amino acid conservation, physicochemical variation, residue mobility, and thermodynamic stability) performed at Invitae indicates that this missense variant is expected to disrupt SDHB protein function. ClinVar contains an entry for this variant (Variation ID: 1928079). This missense change has been observed in individual(s) with paraganglioma (PMID: 31492822). This variant is not present in population databases (gnomAD no frequency). This sequence change replaces tyrosine, which is neutral and polar, with serine, which is neutral and polar, at codon 61 of the SDHB protein (p.Tyr61Ser).

Literature cited by the submitters: PubMed 31492822.

NM_003000.3(SDHB):c.182A>C (p.Tyr61Ser)

Gene: SDHB (succinate dehydrogenase complex iron sulfur subunit B; minus strand). Cytogenetic location: 1p36.13.
Variant type: single nucleotide variant.
Coding change: c.182A>C on transcript NM_003000.3 (MANE Select); coding-DNA position 182, A replaced by C.
Protein change: p.Tyr61Ser; replaces tyrosine 61 with serine.
Molecular consequence: missense variant.
Genome position (GRCh38, 1-based): chr1:17,044,779, T>G on the plus strand (A>C on the coding strand, the complement: SDHB is on the minus strand). VCF-style: chr1-17044779-T-G. GRCh37 (hg19) VCF-style: chr1-17371274-T-G.
Other names: c.182A>C, p.Tyr61Ser (NM_001407361.1); short protein forms Y61S.
Identifiers: ClinVar variation 1928079 (VCV001928079.5), dbSNP rs768171765, ClinGen allele CA338227767.